The following is an entry in ClinVar:

ClinVar aggregate classification (germline): Uncertain significance (1 of 4 stars; one submission).

Conditions:
Hereditary cancer-predisposing syndrome. Also called: Tumor predisposition; Hereditary Cancer Syndrome; Neoplastic Syndromes, Hereditary; Hereditary neoplastic syndrome. Identifiers: Orphanet 140162, MedGen C0027672, MeSH D009386, MONDO:0015356.

Submission:

Ambry Genetics
Classification: Uncertain significance for Hereditary cancer-predisposing syndrome. Last evaluated: 2021-06-22. Review status: criteria provided, single submitter. Criteria: Ambry Variant Classification Scheme 2023. Collection method: clinical testing. Allele origin: germline.
Comment: The p.H943Y variant (also known as c.2827C>T), located in coding exon 17 of the DICER1 gene, results from a C to T substitution at nucleotide position 2827. The histidine at codon 943 is replaced by tyrosine, an amino acid with similar properties. This amino acid position is highly conserved in available vertebrate species. In addition, the in silico prediction for this alteration is inconclusive. Since supporting evidence is limited at this time, the clinical significance of this alteration remains unclear.

NM_177438.3(DICER1):c.2827C>T (p.His943Tyr)

Gene: DICER1 (dicer 1, ribonuclease III; minus strand). Cytogenetic location: 14q32.13.
Variant type: single nucleotide variant.
Coding change: c.2827C>T on transcript NM_177438.3 (MANE Select); coding-DNA position 2827, C replaced by T.
Protein change: p.His943Tyr; replaces histidine 943 with tyrosine.
Molecular consequence: missense variant. On other transcripts: non-coding transcript variant (6).
Genome position (GRCh38, 1-based): chr14:95,106,201, G>A on the plus strand (C>T on the coding strand, the complement: DICER1 is on the minus strand). VCF-style: chr14-95106201-G-A. GRCh37 (hg19) VCF-style: chr14-95572538-G-A.
Other names: c.2827C>T, p.His943Tyr (NM_001195573.1, NM_001271282.3, NM_001291628.2 and 13 more transcripts); c.2545C>T, p.His849Tyr (NM_001395686.1); c.2422C>T, p.His808Tyr (NM_001395687.1, NM_001395688.1, NM_001395689.1 and 2 more transcripts); c.2260C>T, p.His754Tyr (NM_001395691.1); c.1144C>T, p.His382Tyr (NM_001395697.1); short protein forms H849Y, H943Y, H382Y, H754Y, H808Y.
Identifiers: ClinVar variation 1796512 (VCV001796512.2), dbSNP rs2542791349, ClinGen allele CA390879224.